The following is an entry in ClinVar:

NM_015378.4(VPS13D):c.1585G>A (p.Glu529Lys)

Gene: VPS13D (vacuolar protein sorting 13 homolog D; plus strand). Cytogenetic location: 1p36.22.
Variant type: single nucleotide variant.
Coding change: c.1585G>A on transcript NM_015378.4 (MANE Select); coding-DNA position 1585, G replaced by A.
Protein change: p.Glu529Lys; replaces glutamic acid 529 with lysine.
Molecular consequence: missense variant.
Genome position (GRCh38, 1-based): chr1:12,262,071, G>A. VCF-style: chr1-12262071-G-A. GRCh37 (hg19) VCF-style: chr1-12322128-G-A.
Other names: c.1585G>A, p.Glu529Lys (NM_018156.4); short protein forms E529K.
Identifiers: ClinVar variation 3343642 (VCV003343642.2).

ClinVar aggregate classification (germline): Uncertain significance. Review status: criteria provided, multiple submitters, no conflicts (2 of 4 stars). 2 submissions from 2 submitters: Uncertain significance (2). Last evaluated 2026-02-08.

Submissions (2):

GeneDx
Classification: Uncertain significance. Last evaluated: 2026-02-08. Review status: criteria provided, single submitter. Criteria: GeneDx Variant Classification Process June 2021. Collection method: clinical testing. Allele origin: germline.
Comment: In silico analysis suggests that this missense variant does not alter protein structure/function; Has not been previously published as pathogenic or benign to our knowledge

Blueprint Genetics
Classification: Uncertain significance. Last evaluated: 2024-06-04. Review status: criteria provided, single submitter. Criteria: ACMG Guidelines, 2015. Collection method: clinical testing. Allele origin: germline.